The following is an entry in ClinVar:

NM_144573.4(NEXN):c.468G>A (p.Thr156=)

Gene: NEXN (nexilin F-actin binding protein; plus strand). Cytogenetic location: 1p31.1.
Variant type: single nucleotide variant.
Coding change: c.468G>A on transcript NM_144573.4 (MANE Select); coding-DNA position 468, G replaced by A.
Protein change: p.Thr156=; no amino-acid change (threonine 156 retained).
Molecular consequence: synonymous variant.
Genome position (GRCh38, 1-based): chr1:77,925,208, G>A. VCF-style: chr1-77925208-G-A. GRCh37 (hg19) VCF-style: chr1-78390893-G-A.
Other names: c.276G>A, p.Thr92= (NM_001172309.2).
Identifiers: ClinVar variation 383313 (VCV000383313.11), dbSNP rs199988442, ClinGen allele CA918656.

ClinVar aggregate classification (germline): Likely benign. Review status: criteria provided, multiple submitters, no conflicts (2 of 4 stars). 3 submissions from 3 submitters: Likely benign (3). Last evaluated 2025-01-27.

Conditions:
Dilated cardiomyopathy 1CC (CMD1CC). Identifiers: Orphanet 154, MedGen C2751084, MONDO:0013147, OMIM 613122.
Hypertrophic cardiomyopathy 20. Identifiers: MedGen C3151267, MONDO:0013477, OMIM 613876.

Allele frequency attached by ClinVar (database versions not stated): TOPMed 0.00001; ExAC 0.00003; gnomAD 0.00003; gnomAD exomes 0.00003.
gnomAD v4.1: 49 of 1,597,368 alleles (0.0031%); highest among the groups gnomAD compares: East Asian, 0.0045%; no homozygotes.

Submissions (3):

Women's Health and Genetics/Laboratory Corporation of America, LabCorp
Classification: Likely benign. Last evaluated: 2025-01-27. Review status: criteria provided, single submitter. Criteria: LabCorp Variant Classification Summary - May 2015. Collection method: clinical testing. Allele origin: germline.

Labcorp Genetics (formerly Invitae), Labcorp
Classification: Likely benign for Dilated cardiomyopathy 1CC; Hypertrophic cardiomyopathy 20. Last evaluated: 2023-09-01. Review status: criteria provided, single submitter. Criteria: Invitae Variant Classification Sherloc (09022015). Collection method: clinical testing. Allele origin: germline.

GeneDx
Classification: Likely benign. Last evaluated: 2016-01-27. Review status: criteria provided, single submitter. Criteria: GeneDx Variant Classification (06012015). Collection method: clinical testing. Allele origin: germline. Affected: yes.
Comment: This variant is considered likely benign or benign based on one or more of the following criteria: it is a conservative change, it occurs at a poorly conserved position in the protein, it is predicted to be benign by multiple in silico algorithms, and/or has population frequency not consistent with disease.